The following is an entry in ClinVar:

ClinVar aggregate classification (germline): Pathogenic (1 of 4 stars; one submission).

Conditions:
Neurofibromatosis, type 1 (NF1). Also called: NEUROFIBROMATOSIS, TYPE I, SOMATIC; Peripheral type neurofibromatosis; Neurofibromatosis, type I; VON RECKLINGHAUSEN DISEASE. Identifiers: Orphanet 636, MedGen C0027831, MONDO:0018975, OMIM 162200. Disease mechanism: loss of function.

Submission:

Labcorp Genetics (formerly Invitae), Labcorp
Classification: Pathogenic for Neurofibromatosis, type 1. Last evaluated: 2024-11-15. Review status: criteria provided, single submitter. Criteria: Invitae Variant Classification Sherloc (09022015). Collection method: clinical testing. Allele origin: germline.
Comment: This sequence change creates a premature translational stop signal (p.Glu872*) in the NF1 gene. It is expected to result in an absent or disrupted protein product. Loss-of-function variants in NF1 are known to be pathogenic (PMID: 10712197, 23913538). This variant is not present in population databases (gnomAD no frequency). This variant has not been reported in the literature in individuals affected with NF1-related conditions. For these reasons, this variant has been classified as Pathogenic.

Literature cited by the submitters: PubMed 10712197; PubMed 23913538.

NM_001042492.3(NF1):c.2613dup (p.Glu872Ter)

Gene: NF1 (neurofibromin 1; plus strand). Cytogenetic location: 17q11.2.
Variant type: Duplication.
Coding change: c.2613dup on transcript NM_001042492.3 (MANE Select); coding-DNA position 2613, one base duplicated (T; older notation c.2613dupT).
Protein change: p.Glu872Ter; replaces glutamic acid 872 with a stop codon.
Molecular consequence: nonsense. On other transcripts: frameshift variant (1).
Genome position (GRCh38, 1-based): chr17:31,229,228, T duplicated. VCF-style (leftmost placement, unchanged base first): chr17-31229227-G-GT. GRCh37 (hg19) VCF-style: chr17-29556245-G-GT.
Other names: c.2613dup, p.Glu872Terfs (NM_000267.4); short protein forms E872*.
Identifiers: ClinVar variation 3725325 (VCV003725325.2).